The following is an entry in ClinVar:

ClinVar aggregate classification (germline): Likely benign. Review status: criteria provided, multiple submitters, no conflicts (2 of 4 stars). 2 submissions from 2 submitters: Likely benign (2). Last evaluated 2025-05-19.

Conditions:
Tuberous sclerosis 2 (TSC2). Identifiers: Orphanet 805, MedGen C1860707, MONDO:0013199, OMIM 613254.

gnomAD v4.1: 2 of 1,604,430 alleles (0.00012%); highest among the groups gnomAD compares: South Asian, 0.0022%; no homozygotes.

Submissions (2):

Labcorp Genetics (formerly Invitae), Labcorp
Classification: Likely benign for Tuberous sclerosis 2. Last evaluated: 2025-05-19. Review status: criteria provided, single submitter. Criteria: Invitae Variant Classification Sherloc (09022015). Collection method: clinical testing. Allele origin: germline.

Myriad Genetics, Inc.
Classification: Likely benign for Tuberous sclerosis 2. Last evaluated: 2025-05-16. Review status: criteria provided, single submitter. Criteria: Myriad Autosomal Dominant, Autosomal Recessive and X-Linked Classification Criteria (2023). Collection method: clinical testing. Allele origin: unknown.
Comment: This variant is considered likely benign. This variant is intronic and is not expected to impact mRNA splicing.

NM_000548.5(TSC2):c.1947-15C>T

Gene: TSC2 (TSC complex subunit 2; plus strand). Cytogenetic location: 16p13.3.
Variant type: single nucleotide variant.
Coding change: c.1947-15C>T on transcript NM_000548.5 (MANE Select); 15 bases into the intron before coding-DNA position 1947, C replaced by T.
Molecular consequence: intron variant.
Genome position (GRCh38, 1-based): chr16:2,071,769, C>T. VCF-style: chr16-2071769-C-T. GRCh37 (hg19) VCF-style: chr16-2121770-C-T.
Other names: c.603-15C>T (NM_001406693.1, NM_001406689.1, NM_001406690.1 and 6 more transcripts); c.2037-15C>T (NM_001406667.1, NM_001406668.1); c.1347-15C>T (NM_001406680.1, NM_001406683.1, NM_001406687.1 and 6 more transcripts); c.345-15C>T (NM_001406698.1); c.1947-15C>T (NM_001114382.3, NM_001406663.1, NM_001406664.1 and 6 more transcripts); c.1935-15C>T (NM_001406671.1, NM_001406673.1); c.1485-15C>T (NM_001406681.1); c.1836-15C>T (NM_001406670.1, NM_001318827.2, NM_001406678.1); and 3 more.
Identifiers: ClinVar variation 3637682 (VCV003637682.3).